The following is an entry in ClinVar:

ClinVar aggregate classification (germline): Uncertain significance. Review status: criteria provided, multiple submitters, no conflicts (2 of 4 stars). 2 submissions from 2 submitters: Uncertain significance (2). Last evaluated 2025-02-11.

Allele frequency attached by ClinVar (database versions not stated): gnomAD exomes below 0.00001; TOPMed 0.00002.
gnomAD v4.1: 4 of 1,613,482 alleles (0.00025%); highest among the groups gnomAD compares: African/African-American, 0.004%; no homozygotes.

Submissions (2):

GeneDx
Classification: Uncertain significance. Last evaluated: 2025-02-11. Review status: criteria provided, single submitter. Criteria: GeneDx Variant Classification Process June 2021. Collection method: clinical testing. Allele origin: germline. Affected: yes.
Comment: Not observed at significant frequency in large population cohorts (gnomAD); In silico analysis supports that this missense variant does not alter protein structure/function; Has not been previously published as pathogenic or benign to our knowledge

Labcorp Genetics (formerly Invitae), Labcorp
Classification: Uncertain significance. Last evaluated: 2022-08-31. Review status: criteria provided, single submitter. Criteria: Invitae Variant Classification Sherloc (09022015). Collection method: clinical testing. Allele origin: germline.
Comment: This sequence change replaces glycine, which is neutral and non-polar, with glutamic acid, which is acidic and polar, at codon 23 of the MYSM1 protein (p.Gly23Glu). This variant also falls at the last nucleotide of exon 1, which is part of the consensus splice site for this exon. This variant is present in population databases (no rsID available, gnomAD 0.0009%). This variant has not been reported in the literature in individuals affected with MYSM1-related conditions. ClinVar contains an entry for this variant (Variation ID: 1404533). Algorithms developed to predict the effect of missense changes on protein structure and function are either unavailable or do not agree on the potential impact of this missense change (SIFT: "Deleterious"; PolyPhen-2: "Benign"; Align-GVGD: "Class C0"). Variants that disrupt the consensus splice site are a relatively common cause of aberrant splicing (PMID: 17576681, 9536098). Algorithms developed to predict the effect of sequence changes on RNA splicing suggest that this variant may create or strengthen a splice site. In summary, the available evidence is currently insufficient to determine the role of this variant in disease. Therefore, it has been classified as a Variant of Uncertain Significance.

Literature cited by the submitters: PubMed 17576681 (cited by Labcorp Genetics (formerly Invitae), Labcorp); PubMed 9536098 (cited by Labcorp Genetics (formerly Invitae), Labcorp).

NM_001085487.3(MYSM1):c.68G>A (p.Gly23Glu)

Genes: MYSM1 (Myb like, SWIRM and MPN domains 1; minus strand), LOC129930616 (ATAC-STARR-seq lymphoblastoid active region 1087; plus strand). Cytogenetic location: 1p32.1.
Variant type: single nucleotide variant.
Coding change: c.68G>A on transcript NM_001085487.3 (MANE Select); coding-DNA position 68, G replaced by A.
Protein change: p.Gly23Glu; replaces glycine 23 with glutamic acid.
Molecular consequence: missense variant.
Genome position (GRCh38, 1-based): chr1:58,699,985, C>T on the plus strand (G>A on the coding strand, the complement: MYSM1 is on the minus strand). VCF-style: chr1-58699985-C-T. GRCh37 (hg19) VCF-style: chr1-59165657-C-T.
Other names: c.68G>A (NM_001085487.2); short protein forms G23E.
Identifiers: ClinVar variation 1404533 (VCV001404533.11), dbSNP rs1227003630, ClinGen allele CA340534421.